The following is an entry in ClinVar:

ClinVar aggregate classification (germline): Uncertain significance (1 of 4 stars; one submission).

Conditions:
POLD1-related polyposis and colorectal cancer syndrome (CRCS10). Also called: Colorectal cancer 10; COLORECTAL CANCER, SUSCEPTIBILITY TO, ON CHROMOSOME 19q; Colorectal cancer, susceptibility to, 10. Identifiers: Orphanet 220460, MedGen C2675481, MONDO:0012953, OMIM 612591.

Allele frequency attached by ClinVar (database versions not stated): gnomAD exomes below 0.00001.
gnomAD v4.1: 1 of 1,596,932 alleles (0.000063%); highest among the groups gnomAD compares: Non-Finnish European, 0.000086%; no homozygotes.

Submission:

Labcorp Genetics (formerly Invitae), Labcorp
Classification: Uncertain significance for POLD1-related polyposis and colorectal cancer syndrome. Last evaluated: 2023-01-26. Review status: criteria provided, single submitter. Criteria: Invitae Variant Classification Sherloc (09022015). Collection method: clinical testing. Allele origin: germline.
Comment: In summary, the available evidence is currently insufficient to determine the role of this variant in disease. Therefore, it has been classified as a Variant of Uncertain Significance. Variants that disrupt the consensus splice site are a relatively common cause of aberrant splicing (PMID: 17576681, 9536098). Algorithms developed to predict the effect of missense changes on protein structure and function (SIFT, PolyPhen-2, Align-GVGD) all suggest that this variant is likely to be disruptive. This variant has not been reported in the literature in individuals affected with POLD1-related conditions. This variant is not present in population databases (gnomAD no frequency). This sequence change replaces glycine, which is neutral and non-polar, with glutamic acid, which is acidic and polar, at codon 592 of the POLD1 protein (p.Gly592Glu). This variant also falls at the last nucleotide of exon 14, which is part of the consensus splice site for this exon.

Literature cited by the submitters: PubMed 17576681; PubMed 9536098.

NM_002691.4(POLD1):c.1775G>A (p.Gly592Glu)

Gene: POLD1 (DNA polymerase delta 1, catalytic subunit; plus strand). Cytogenetic location: 19q13.33.
Variant type: single nucleotide variant.
Coding change: c.1775G>A on transcript NM_002691.4 (MANE Select); coding-DNA position 1775, G replaced by A.
Protein change: p.Gly592Glu; replaces glycine 592 with glutamic acid.
Molecular consequence: missense variant. On other transcripts: non-coding transcript variant (1).
Genome position (GRCh38, 1-based): chr19:50,407,415, G>A. VCF-style: chr19-50407415-G-A. GRCh37 (hg19) VCF-style: chr19-50910672-G-A.
Other names: c.1775G>A, p.Gly592Glu (NM_001256849.1, NM_001308632.1); short protein forms G592E.
Identifiers: ClinVar variation 2832122 (VCV002832122.3), dbSNP rs2514003723, ClinGen allele CA406981422.